The following is an entry in ClinVar:

NM_005045.4(RELN):c.10039A>C (p.Ser3347Arg)

Genes: SLC26A5-AS1 (SLC26A5 antisense RNA 1; plus strand), RELN (reelin; minus strand). Cytogenetic location: 7q22.1.
Variant type: single nucleotide variant.
Coding change: c.10039A>C on transcript NM_005045.4 (MANE Select); coding-DNA position 10039, A replaced by C.
Protein change: p.Ser3347Arg; replaces serine 3347 with arginine.
Molecular consequence: missense variant.
Genome position (GRCh38, 1-based): chr7:103,483,795, T>G on the plus strand (A>C on the coding strand, the complement: RELN is on the minus strand). VCF-style: chr7-103483795-T-G. GRCh37 (hg19) VCF-style: chr7-103124242-T-G.
Other names: c.10039A>C, p.Ser3347Arg (NM_173054.3); short protein forms S3347R.
Identifiers: ClinVar variation 1009570 (VCV001009570.8), dbSNP rs1450247215, ClinGen allele CA368739185.
Genomic context (GRCh38, chr7:103,483,795, plus strand): 5'-TGTTGACGCTGTATTGCAGCAGCACTGCCTTGTCCACAGCGTGGGGGCCACTCAGGTCAC[T>G]GTTGCAGCTGTCCGTCTGCGACATGCTCCCAATTTGCAAAACAAACATGATTTTGCTGAA-3'
Protein context (NP_005036.2, residues 3337-3357): GSMSQTDSCN[Ser3347Arg]DLSGPHAVDK

ClinVar aggregate classification (germline): Uncertain significance (1 of 4 stars; one submission).

Conditions:
Norman-Roberts syndrome (LIS2). Also called: Lissencephaly 2 (Norman-Roberts type). Identifiers: Orphanet 89844, MedGen C0796089, MONDO:0009760, OMIM 257320.
Familial temporal lobe epilepsy 7. Identifiers: Orphanet 101046, MedGen C4225327, MONDO:0014639, OMIM 616436.

Submission:

Labcorp Genetics (formerly Invitae), Labcorp
Classification: Uncertain significance for Familial temporal lobe epilepsy 7; Norman-Roberts syndrome. Last evaluated: 2024-10-14. Review status: criteria provided, single submitter. Criteria: Invitae Variant Classification Sherloc (09022015). Collection method: clinical testing. Allele origin: germline.
Comment: This sequence change replaces serine, which is neutral and polar, with arginine, which is basic and polar, at codon 3347 of the RELN protein (p.Ser3347Arg). This variant is not present in population databases (gnomAD no frequency). This variant has not been reported in the literature in individuals affected with RELN-related conditions. ClinVar contains an entry for this variant (Variation ID: 1009570). Invitae Evidence Modeling of protein sequence and biophysical properties (such as structural, functional, and spatial information, amino acid conservation, physicochemical variation, residue mobility, and thermodynamic stability) indicates that this missense variant is not expected to disrupt RELN protein function with a negative predictive value of 80%. In summary, the available evidence is currently insufficient to determine the role of this variant in disease. Therefore, it has been classified as a Variant of Uncertain Significance.